The following is an entry in ClinVar:

NM_139076.3(ABRAXAS1):c.233G>A (p.Gly78Asp)

Gene: ABRAXAS1 (abraxas 1, BRCA1 A complex subunit; minus strand). Cytogenetic location: 4q21.23.
Variant type: single nucleotide variant.
Coding change: c.233G>A on transcript NM_139076.3 (MANE Select); coding-DNA position 233, G replaced by A.
Protein change: p.Gly78Asp; replaces glycine 78 with aspartic acid.
Molecular consequence: missense variant. On other transcripts: intron variant (1).
Genome position (GRCh38, 1-based): chr4:83,472,271, C>T on the plus strand (G>A on the coding strand, the complement: ABRAXAS1 is on the minus strand). VCF-style: chr4-83472271-C-T. GRCh37 (hg19) VCF-style: chr4-84393424-C-T.
Other names: p.G78D:GGC>GAC; c.-45-1875G>A (NM_001345962.2); short protein forms G78D.
Identifiers: ClinVar variation 128219 (VCV000128219.15), dbSNP rs587780265, ClinGen allele CA288641.

ClinVar aggregate classification (germline): Uncertain significance. Review status: criteria provided, multiple submitters, no conflicts (2 of 4 stars). 4 submissions from 4 submitters: Uncertain significance (4). Last evaluated 2025-02-19.

Allele frequency attached by ClinVar (database versions not stated): gnomAD exomes below 0.00001; gnomAD 0.00001; TOPMed 0.00001.
gnomAD v4.1: 7 of 1,519,456 alleles (0.00046%); highest among the groups gnomAD compares: Non-Finnish European, 0.00053%; no homozygotes.

Submissions (4):

Ambry Genetics
Classification: Uncertain significance. Last evaluated: 2025-02-19. Review status: criteria provided, single submitter. Criteria: Ambry Variant Classification Scheme 2023. Collection method: clinical testing. Allele origin: germline.

Labcorp Genetics (formerly Invitae), Labcorp
Classification: Uncertain significance. Last evaluated: 2021-08-17. Review status: criteria provided, single submitter. Criteria: Invitae Variant Classification Sherloc (09022015). Collection method: clinical testing. Allele origin: germline.
Comment: This sequence change replaces glycine with aspartic acid at codon 78 of the FAM175A protein (p.Gly78Asp). The glycine residue is highly conserved and there is a moderate physicochemical difference between glycine and aspartic acid. This variant is not present in population databases (ExAC no frequency). This variant has not been reported in the literature in individuals with FAM175A-related disease. ClinVar contains an entry for this variant (Variation ID: 128219). Algorithms developed to predict the effect of missense changes on protein structure and function are either unavailable or do not agree on the potential impact of this missense change (SIFT: "Deleterious"; PolyPhen-2: "Probably Damaging"; Align-GVGD: "Class C0"). In summary, the available evidence is currently insufficient to determine the role of this variant in disease. Therefore, it has been classified as a Variant of Uncertain Significance.

Women's Health and Genetics/Laboratory Corporation of America, LabCorp
Classification: Uncertain significance. Last evaluated: 2020-05-07. Review status: criteria provided, single submitter. Criteria: LabCorp Variant Classification Summary - May 2015. Collection method: clinical testing. Allele origin: germline.
Comment: Variant summary: FAM175A (aka ABRAXAS1) c.233G>A (p.Gly78Asp) results in a non-conservative amino acid change located in the MPN domain (IPR037518) of the encoded protein sequence. Four of five in-silico tools predict a damaging effect of the variant on protein function. The variant allele was found at a frequency of 5.5e-06 in 181536 control chromosomes (gnomAD). The available data on variant occurrences in the general population are insufficient to allow any conclusion about variant significance. To our knowledge, no occurrence of c.233G>A in individuals affected with Hereditary Breast And Ovarian Cancer Syndrome and no experimental evidence demonstrating its impact on protein function have been reported. No clinical diagnostic laboratories have submitted clinical-significance assessments for this variant to ClinVar after 2014. Based on the evidence outlined above, the variant was classified as uncertain significance.

GeneDx
Classification: Uncertain significance. Last evaluated: 2013-10-16. Review status: criteria provided, single submitter. Criteria: GeneDx Variant Classification (06012015). Collection method: clinical testing. Allele origin: germline. Affected: yes.
Comment: The FAM175A gene (also known as ABRAXAS, ABRA1, and CCDC98), part of the BRCA1 complex necessary for BRCA1-dependent DNA damage repair, has been only recently been described in association with cancer predisposition and the risks are not well understood. This variant is denoted FAM175A c.233G>A at the cDNA level, p.Gly78Asp (G78D) at the protein level, and results in the change of a Glycine to an Aspartic Acid (GGC>GAC) in exon 4. This variant has not, to our knowledge, been published in the literature as either a mutation or a benign polymorphism. FAM175A Gly78Asp was not observed in approximately 5,700 individuals of European and African American ancestry in the NHLBI Exome Variant Server, indicating it is not a common benign variant in these populations. This variant is a non-conservative substitution of a neutral non-polar amino acid for a negative polar one, altering a position that is well conserved throughout evolution and is located in the MPN-like domain, a known functional domain. Multiple in silico algorithms predict that this variant may be damaging to protein structure and function. Based on the currently available evidence, FAM175A Gly78Asp is classified as a variant of unknown significance. The variant is found in BR-OV-HEREDIC panel(s).